The following is an entry in ClinVar:

NM_152564.5(VPS13B):c.972T>G (p.Tyr324Ter)

Gene: VPS13B (vacuolar protein sorting 13 homolog B; plus strand). Cytogenetic location: 8q22.2.
Variant type: single nucleotide variant.
Coding change: c.972T>G on transcript NM_152564.5 (MANE Select); coding-DNA position 972, T replaced by G.
Protein change: p.Tyr324Ter; replaces tyrosine 324 with a stop codon.
Molecular consequence: nonsense. On other transcripts: non-coding transcript variant (1).
Genome position (GRCh38, 1-based): chr8:99,121,211, T>G. VCF-style: chr8-99121211-T-G. GRCh37 (hg19) VCF-style: chr8-100133439-T-G.
Other names: c.972T>G, p.Tyr324Ter (NM_015243.3, NM_017890.5, NM_181661.3); short protein forms Y324*.
Identifiers: ClinVar variation 2172925 (VCV002172925.8), dbSNP rs1243094816, ClinGen allele CA371860827.

ClinVar aggregate classification (germline): Pathogenic/Likely pathogenic. Review status: criteria provided, multiple submitters, no conflicts (2 of 4 stars). 4 submissions from 4 submitters: Pathogenic (1); Likely pathogenic (3). Last evaluated 2026-03-13.

Conditions:
Cohen syndrome (COH1). Also called: PEPPER SYNDROME; Cutis verticis gyrata, retinitis pigmentosa, and sensorineural deafness. Identifiers: Orphanet 193, MedGen C0265223, MONDO:0008999, OMIM 216550.
VPS13B-related disorder. Also called: VPS13B-related condition.

Allele frequency attached by ClinVar (database versions not stated): TOPMed below 0.00001; gnomAD exomes 0.00001.
gnomAD v4.1: 9 of 1,614,048 alleles (0.00056%); highest among the groups gnomAD compares: Non-Finnish European, 0.00076%; no homozygotes.

Submissions (4):

PreventionGenetics, part of Exact Sciences
Classification: Likely pathogenic for VPS13B-related condition. Last evaluated: 2026-03-13. Review status: criteria provided, single submitter. Criteria: ACMG Guidelines, 2015. Collection method: clinical testing. Allele origin: germline.
Comment: The VPS13B c.972T>G variant is predicted to result in premature protein termination (p.Tyr324*). To our knowledge, this variant has not been reported in the literature or in a large population database, indicating this variant is rare. Nonsense variants in VPS13B are expected to be pathogenic. This variant is interpreted as likely pathogenic.

Natera, Inc.
Classification: Likely pathogenic for Cohen syndrome. Last evaluated: 2025-09-12. Review status: criteria provided, single submitter. Criteria: Natera Variant Classification Schema (03/2026). Collection method: clinical testing. Allele origin: germline.
Comment: The c.972T>G variant in VPS13B is a nonsense variant predicted to introduce a stop codon at amino acid 324. This variant is expected to result in nonsense mediated decay, truncation, or a dysfunctional protein product. This variant is rare in the general population with a frequency below the threshold expected for the associated phenotype(s). Given the available evidence, this variant is classified as Likely Pathogenic.

Labcorp Genetics (formerly Invitae), Labcorp
Classification: Pathogenic for Cohen syndrome. Last evaluated: 2024-11-18. Review status: criteria provided, single submitter. Criteria: Invitae Variant Classification Sherloc (09022015). Collection method: clinical testing. Allele origin: germline.
Comment: This sequence change creates a premature translational stop signal (p.Tyr324*) in the VPS13B gene. It is expected to result in an absent or disrupted protein product. Loss-of-function variants in VPS13B are known to be pathogenic (PMID: 15141358, 16648375, 20461111). This variant is not present in population databases (gnomAD no frequency). This variant has not been reported in the literature in individuals affected with VPS13B-related conditions. ClinVar contains an entry for this variant (Variation ID: 2172925). For these reasons, this variant has been classified as Pathogenic.

Blueprint Genetics
Classification: Likely pathogenic for VPS13B-related disorders. Last evaluated: 2022-09-27. Review status: criteria provided, single submitter. Criteria: ACMG Guidelines, 2015. Collection method: clinical testing. Allele origin: germline. Affected: yes. Observed: 5 variant alleles.

Literature cited by the submitters: PubMed 15141358 (cited by Labcorp Genetics (formerly Invitae), Labcorp); PubMed 16648375 (cited by Labcorp Genetics (formerly Invitae), Labcorp); PubMed 20461111 (cited by Labcorp Genetics (formerly Invitae), Labcorp).